The following is an entry in ClinVar:

NM_000252.3(MTM1):c.38C>T (p.Ser13Phe)

Gene: MTM1 (myotubularin 1; plus strand). Cytogenetic location: Xq28.
Variant type: single nucleotide variant.
Coding change: c.38C>T on transcript NM_000252.3 (MANE Select); coding-DNA position 38, C replaced by T.
Protein change: p.Ser13Phe; replaces serine 13 with phenylalanine.
Molecular consequence: missense variant.
Genome position (GRCh38, 1-based): chrX:150,592,652, C>T. VCF-style: chrX-150592652-C-T. GRCh37 (hg19) VCF-style: chrX-149761114-C-T.
Other names: c.38C>T, p.Ser13Phe (NM_001376908.1, NM_001376906.1, NM_001376907.1); c.38C>T (NM_000252.2); short protein forms S13F.
Identifiers: ClinVar variation 1082470 (VCV001082470.12), dbSNP rs144473998, ClinGen allele CA10539020.
Genomic context (GRCh38, chrX:150,592,652, plus strand): 5'-TGTTTCTTGGTAGAGTTTCCAGGATGGCTTCTGCATCAACTTCTAAATATAATTCACACT[C>T]CTTGGAGAATGAGTCTATTAAGAGGGTAAGTTGAATTTTCAGATTTATCTGTCTCTTTCC-3'
Protein context (NP_000243.1, residues 3-23): SASTSKYNSH[Ser13Phe]LENESIKRTS

ClinVar aggregate classification (germline): Conflicting classifications of pathogenicity. Review status: criteria provided, conflicting classifications (1 of 4 stars). 3 submissions from 3 submitters: Uncertain significance (2); Likely benign (1). Last evaluated 2025-12-16.

Conditions:
Severe X-linked myotubular myopathy (CNMX). Also called: X-linked centronuclear myopathy; Myotubular myopathy, X-linked; MYOTUBULAR MYOPATHY 1. Identifiers: Orphanet 596, MedGen C0410203, MONDO:0010683, OMIM 310400.
Inborn genetic diseases. Identifiers: MedGen C0950123, MeSH D030342.

Allele frequency attached by ClinVar (database versions not stated): gnomAD 0.00005; gnomAD exomes 0.00005 and 0.00006; TOPMed 0.00006; ExAC 0.00009; ESP Exome Variant Server 0.00009.
gnomAD v4.1: 60 of 1,187,672 alleles (0.0051%); highest among the groups gnomAD compares: Non-Finnish European, 0.0067%; no homozygotes.

Submissions (3):

Labcorp Genetics (formerly Invitae), Labcorp
Classification: Likely benign for Severe X-linked myotubular myopathy. Last evaluated: 2025-12-16. Review status: criteria provided, single submitter. Criteria: Invitae Variant Classification Sherloc (09022015). Collection method: clinical testing. Allele origin: germline.

Ambry Genetics
Classification: Uncertain significance for Inborn genetic diseases. Last evaluated: 2023-03-02. Review status: criteria provided, single submitter. Criteria: Ambry Variant Classification Scheme 2023. Collection method: clinical testing. Allele origin: germline.

GeneDx
Classification: Uncertain significance. Last evaluated: 2022-09-30. Review status: criteria provided, single submitter. Criteria: GeneDx Variant Classification Process June 2021. Collection method: clinical testing. Allele origin: germline. Affected: yes.
Comment: In silico analysis supports that this missense variant has a deleterious effect on protein structure/function; Has not been previously published as pathogenic or benign to our knowledge